The following is an entry in ClinVar:

NM_002907.4(RECQL):c.59C>T (p.Ala20Val)

Gene: RECQL (RecQ like helicase; minus strand). Cytogenetic location: 12p12.1.
Variant type: single nucleotide variant.
Coding change: c.59C>T on transcript NM_002907.4 (MANE Select); coding-DNA position 59, C replaced by T.
Protein change: p.Ala20Val; replaces alanine 20 with valine.
Molecular consequence: missense variant.
Genome position (GRCh38, 1-based): chr12:21,491,674, G>A on the plus strand (C>T on the coding strand, the complement: RECQL is on the minus strand). VCF-style: chr12-21491674-G-A. GRCh37 (hg19) VCF-style: chr12-21644608-G-A.
Other names: c.59C>T, p.Ala20Val (NM_032941.3); short protein forms A20V.
Identifiers: ClinVar variation 4842800 (VCV004842800.1).

ClinVar aggregate classification (germline): Uncertain significance (1 of 4 stars; one submission).

Submission:

Ambry Genetics
Classification: Uncertain significance. Last evaluated: 2026-01-09. Review status: criteria provided, single submitter. Criteria: Ambry Variant Classification Scheme 2023. Collection method: clinical testing. Allele origin: germline.
Comment: The p.A20V variant (also known as c.59C>T), located in coding exon 2 of the RECQL gene, results from a C to T substitution at nucleotide position 59. The alanine at codon 20 is replaced by valine, an amino acid with similar properties. This amino acid position is conserved. In addition, this alteration is predicted to be tolerated by in silico analysis. Based on the available evidence, the clinical significance of this variant remains unclear.